The following is an entry in ClinVar:

ClinVar aggregate classification (germline): Likely pathogenic. Review status: criteria provided, multiple submitters, no conflicts (2 of 4 stars). 2 submissions from 2 submitters: Likely pathogenic (2). Last evaluated 2024-06-01.

Conditions:
Hermansky-Pudlak syndrome 1 (HPS1). Also called: DELTA STORAGE POOL DISEASE. Identifiers: Orphanet 231500, Orphanet 79430, MedGen C2931875, MONDO:0008748, OMIM 203300.

Submissions (2):

Fulgent Genetics
Classification: Likely pathogenic for Hermansky-Pudlak syndrome 1. Last evaluated: 2024-06-01. Review status: criteria provided, single submitter. Criteria: ACMG Guidelines, 2015. Collection method: clinical testing. Allele origin: germline.

Labcorp Genetics (formerly Invitae), Labcorp
Classification: Likely pathogenic. Last evaluated: 2022-09-26. Review status: criteria provided, single submitter. Criteria: Invitae Variant Classification Sherloc (09022015). Collection method: clinical testing. Allele origin: germline.
Comment: In summary, the currently available evidence indicates that the variant is pathogenic, but additional data are needed to prove that conclusively. Therefore, this variant has been classified as Likely Pathogenic. This sequence change replaces tryptophan, which is neutral and slightly polar, with cysteine, which is neutral and slightly polar, at codon 448 of the HPS1 protein (p.Trp448Cys). This variant is not present in population databases (gnomAD no frequency). This missense change has been observed in individual(s) with Hermansky-Pudlak syndrome (Invitae). In at least one individual the data is consistent with being in trans (on the opposite chromosome) from a pathogenic variant. Advanced modeling of protein sequence and biophysical properties (such as structural, functional, and spatial information, amino acid conservation, physicochemical variation, residue mobility, and thermodynamic stability) performed at Invitae indicates that this missense variant is expected to disrupt HPS1 protein function. This variant disrupts the p.Trp448 amino acid residue in HPS1. Other variant(s) that disrupt this residue have been determined to be pathogenic (PMID: 26575419). This suggests that this residue is clinically significant, and that variants that disrupt this residue are likely to be disease-causing.

Literature cited by the submitters: PubMed 26575419 (cited by Labcorp Genetics (formerly Invitae), Labcorp).

NM_000195.5(HPS1):c.1344G>C (p.Trp448Cys)

Gene: HPS1 (HPS1 biogenesis of lysosomal organelles complex 3 subunit 1; minus strand). Cytogenetic location: 10q24.2.
Variant type: single nucleotide variant.
Coding change: c.1344G>C on transcript NM_000195.5 (MANE Select); coding-DNA position 1344, G replaced by C.
Protein change: p.Trp448Cys; replaces tryptophan 448 with cysteine.
Molecular consequence: missense variant.
Genome position (GRCh38, 1-based): chr10:98,424,366, C>G on the plus strand (G>C on the coding strand, the complement: HPS1 is on the minus strand). VCF-style: chr10-98424366-C-G. GRCh37 (hg19) VCF-style: chr10-100184123-C-G.
Other names: c.372G>C, p.Trp124Cys (NM_001311345.2, NM_001322487.2, NM_001322489.2); c.1344G>C, p.Trp448Cys (NM_001322476.2, NM_001322477.2); c.1245G>C, p.Trp415Cys (NM_001322478.2, NM_001322479.2); c.1083G>C, p.Trp361Cys (NM_001322480.2, NM_001322481.2); c.984G>C, p.Trp328Cys (NM_001322482.2); c.975G>C, p.Trp325Cys (NM_001322483.2, NM_001322484.2); c.876G>C, p.Trp292Cys (NM_001322485.2); short protein forms W325C, W361C, W415C, W328C, W448C, W124C, W292C.
Identifiers: ClinVar variation 2201823 (VCV002201823.5), dbSNP rs1845317249, ClinGen allele CA378046940.